The following is an entry in ClinVar:

ClinVar aggregate classification (germline): Uncertain significance (1 of 4 stars; one submission).

Conditions:
LAMA2-related muscular dystrophy (LAMA2-RD). Also called: Laminin alpha 2-related dystrophy. Identifiers: MedGen C5679788, MONDO:0100228.

Submission:

Labcorp Genetics (formerly Invitae), Labcorp
Classification: Uncertain significance for LAMA2-related muscular dystrophy. Last evaluated: 2022-03-02. Review status: criteria provided, single submitter. Criteria: Invitae Variant Classification Sherloc (09022015). Collection method: clinical testing. Allele origin: germline.
Comment: This sequence change replaces histidine, which is basic and polar, with asparagine, which is neutral and polar, at codon 2598 of the LAMA2 protein (p.His2598Asn). This variant is not present in population databases (gnomAD no frequency). This variant has not been reported in the literature in individuals affected with LAMA2-related conditions. Advanced modeling of protein sequence and biophysical properties (such as structural, functional, and spatial information, amino acid conservation, physicochemical variation, residue mobility, and thermodynamic stability) performed at Invitae indicates that this missense variant is not expected to disrupt LAMA2 protein function. In summary, the available evidence is currently insufficient to determine the role of this variant in disease. Therefore, it has been classified as a Variant of Uncertain Significance.

NM_000426.4(LAMA2):c.7792C>A (p.His2598Asn)

Gene: LAMA2 (laminin subunit alpha 2; plus strand). Cytogenetic location: 6q22.33.
Variant type: single nucleotide variant.
Coding change: c.7792C>A on transcript NM_000426.4 (MANE Select); coding-DNA position 7792, C replaced by A.
Protein change: p.His2598Asn; replaces histidine 2598 with asparagine.
Molecular consequence: missense variant.
Genome position (GRCh38, 1-based): chr6:129,486,516, C>A. VCF-style: chr6-129486516-C-A. GRCh37 (hg19) VCF-style: chr6-129807661-C-A.
Other names: c.7780C>A, p.His2594Asn (NM_001079823.2); short protein forms H2594N, H2598N.
Identifiers: ClinVar variation 1374584 (VCV001374584.6), dbSNP rs2114848921, ClinGen allele CA365629121.